The following is an entry in ClinVar:

NM_033100.4(CDHR1):c.2431G>A (p.Val811Met)

Gene: CDHR1 (cadherin related family member 1; plus strand). Cytogenetic location: 10q23.1.
Variant type: single nucleotide variant.
Coding change: c.2431G>A on transcript NM_033100.4 (MANE Select); coding-DNA position 2431, G replaced by A.
Protein change: p.Val811Met; replaces valine 811 with methionine.
Molecular consequence: missense variant. On other transcripts: intron variant (1).
Genome position (GRCh38, 1-based): chr10:84,214,472, G>A. VCF-style: chr10-84214472-G-A. GRCh37 (hg19) VCF-style: chr10-85974228-G-A.
Other names: c.2040+1124G>A (NM_001171971.3); short protein forms V811M.
Identifiers: ClinVar variation 1506456 (VCV001506456.4), dbSNP rs764500651, ClinGen allele CA5580229.
Genomic context (GRCh38, chr10:84,214,472, plus strand): 5'-GCTCCGGCTCTCCCTCCACCACCCAGCGTGGCGCCCAGCACTGGCGCAGCCCAGTGGACC[G>A]TGCCTACTGTCTCTGGCTCTCTCACTCCGCAGCCGACCCAACCCCCGCCAAAACCCAAAA-3'
Protein context (NP_149091.1, residues 801-821): APSTGAAQWT[Val811Met]PTVSGSLTPQ

ClinVar aggregate classification (germline): Uncertain significance (1 of 4 stars; one submission).

Allele frequency attached by ClinVar (database versions not stated): gnomAD 0.00001.
gnomAD v4.1: 9 of 1,610,288 alleles (0.00056%); highest among the groups gnomAD compares: Non-Finnish European, 0.00076%; no homozygotes.

Submission:

Labcorp Genetics (formerly Invitae), Labcorp
Classification: Uncertain significance. Last evaluated: 2022-07-25. Review status: criteria provided, single submitter. Criteria: Invitae Variant Classification Sherloc (09022015). Collection method: clinical testing. Allele origin: germline.
Comment: In summary, the available evidence is currently insufficient to determine the role of this variant in disease. Therefore, it has been classified as a Variant of Uncertain Significance. Advanced modeling of protein sequence and biophysical properties (such as structural, functional, and spatial information, amino acid conservation, physicochemical variation, residue mobility, and thermodynamic stability) performed at Invitae indicates that this missense variant is not expected to disrupt CDHR1 protein function. ClinVar contains an entry for this variant (Variation ID: 1506456). This variant has not been reported in the literature in individuals affected with CDHR1-related conditions. The frequency data for this variant in the population databases is considered unreliable, as metrics indicate poor data quality at this position in the gnomAD database. This sequence change replaces valine, which is neutral and non-polar, with methionine, which is neutral and non-polar, at codon 811 of the CDHR1 protein (p.Val811Met).